The following is an entry in ClinVar:

NM_001013838.3(CARMIL2):c.832C>T (p.Arg278Trp)

Gene: CARMIL2 (capping protein regulator and myosin 1 linker 2; plus strand). Cytogenetic location: 16q22.1.
Variant type: single nucleotide variant.
Coding change: c.832C>T on transcript NM_001013838.3 (MANE Select); coding-DNA position 832, C replaced by T.
Protein change: p.Arg278Trp; replaces arginine 278 with tryptophan.
Molecular consequence: missense variant.
Genome position (GRCh38, 1-based): chr16:67,647,563, C>T. VCF-style: chr16-67647563-C-T. GRCh37 (hg19) VCF-style: chr16-67681466-C-T.
Other names: c.832C>T, p.Arg278Trp (NM_001317026.3); short protein forms R278W.
Identifiers: ClinVar variation 1964944 (VCV001964944.3), dbSNP rs747119629, ClinGen allele CA8113234.

ClinVar aggregate classification (germline): Uncertain significance (1 of 4 stars; one submission).

Allele frequency attached by ClinVar (database versions not stated): gnomAD exomes below 0.00001; ExAC 0.00001.
gnomAD v4.1: 6 of 1,610,910 alleles (0.00037%); highest among the groups gnomAD compares: East Asian, 0.0022%; no homozygotes.

Submission:

Labcorp Genetics (formerly Invitae), Labcorp
Classification: Uncertain significance. Last evaluated: 2022-06-30. Review status: criteria provided, single submitter. Criteria: Invitae Variant Classification Sherloc (09022015). Collection method: clinical testing. Allele origin: germline.
Comment: In summary, the available evidence is currently insufficient to determine the role of this variant in disease. Therefore, it has been classified as a Variant of Uncertain Significance. Algorithms developed to predict the effect of missense changes on protein structure and function are either unavailable or do not agree on the potential impact of this missense change (SIFT: "Deleterious"; PolyPhen-2: "Possibly Damaging"; Align-GVGD: "Class C0"). This variant has not been reported in the literature in individuals affected with CARMIL2-related conditions. The frequency data for this variant in the population databases is considered unreliable, as metrics indicate poor data quality at this position in the gnomAD database. This sequence change replaces arginine, which is basic and polar, with tryptophan, which is neutral and slightly polar, at codon 278 of the CARMIL2 protein (p.Arg278Trp).